The following is an entry in ClinVar:

ClinVar aggregate classification (germline): Uncertain significance. Review status: criteria provided, single submitter (1 of 4 stars). 2 submissions from 2 submitters: Uncertain significance (1). 1 of the submissions does not count toward it. Last evaluated 2021-08-28.

Conditions:
T-B+ severe combined immunodeficiency due to JAK3 deficiency. Also called: SCID, autosomal recessive, T-negative/B-positive type; SCID, T CELL-NEGATIVE, B CELL-POSITIVE, NK CELL-NEGATIVE. Identifiers: Orphanet 35078, MedGen C1833275, MONDO:0010938, OMIM 600802.

gnomAD v4.1: 3 of 1,614,020 alleles (0.00019%); highest among the groups gnomAD compares: Non-Finnish European, 0.00025%; no homozygotes.

Submissions (2):

Labcorp Genetics (formerly Invitae), Labcorp
Classification: Uncertain significance for T-B+ severe combined immunodeficiency due to JAK3 deficiency. Last evaluated: 2021-08-28. Review status: criteria provided, single submitter. Criteria: Invitae Variant Classification Sherloc (09022015). Collection method: clinical testing. Allele origin: germline.
Comment: This sequence change replaces valine with methionine at codon 487 of the JAK3 protein (p.Val487Met). The valine residue is moderately conserved and there is a small physicochemical difference between valine and methionine. This variant is not present in population databases (ExAC no frequency). This variant has not been reported in the literature in individuals affected with JAK3-related conditions. Advanced modeling of protein sequence and biophysical properties (such as structural, functional, and spatial information, amino acid conservation, physicochemical variation, residue mobility, and thermodynamic stability) performed at Invitae indicates that this missense variant is not expected to disrupt JAK3 protein function. In summary, the available evidence is currently insufficient to determine the role of this variant in disease. Therefore, it has been classified as a Variant of Uncertain Significance.

Human Genome and Stem Cell Research Center, Department of Genetics and Evolutionary Biology, Institute of Biosciences, University of São Paulo
Classification: Uncertain significance. Last evaluated: 2023-02-08. Review status: no assertion criteria provided. Collection method: research. Allele origin: de novo. Affected: yes. Not counted in ClinVar's aggregate classification.

NM_000215.4(JAK3):c.1459G>A (p.Val487Met)

Gene: JAK3 (Janus kinase 3; minus strand). Cytogenetic location: 19p13.11.
Variant type: single nucleotide variant.
Coding change: c.1459G>A on transcript NM_000215.4 (MANE Select); coding-DNA position 1459, G replaced by A.
Protein change: p.Val487Met; replaces valine 487 with methionine.
Molecular consequence: missense variant.
Genome position (GRCh38, 1-based): chr19:17,838,373, C>T on the plus strand (G>A on the coding strand, the complement: JAK3 is on the minus strand). VCF-style: chr19-17838373-C-T. GRCh37 (hg19) VCF-style: chr19-17949182-C-T.
Other names: c.1459G>A (NM_000215.3); short protein forms V487M.
Identifiers: ClinVar variation 1515861 (VCV001515861.30), dbSNP rs2147689016, ClinGen allele CA404770061.